The following is an entry in ClinVar:

NM_020821.3(VPS13C):c.9366del (p.Lys3122fs)

Gene: VPS13C (vacuolar protein sorting 13 homolog C; minus strand). Cytogenetic location: 15q22.2.
Variant type: Deletion.
Coding change: c.9366del on transcript NM_020821.3 (MANE Select); coding-DNA position 9366, one base deleted (A; older notation c.9366delA).
Protein change: p.Lys3122fs; shifts the reading frame from lysine 3122.
Molecular consequence: frameshift variant.
Genome position (GRCh38, 1-based): chr15:61,884,245, T deleted on the plus strand (A on the coding strand, the reverse complement: VPS13C is on the minus strand); the first of 3 consecutive T bases (chr15:61,884,245-61,884,247); deleting any one gives the same sequence. VCF-style (leftmost placement, unchanged base first): chr15-61884244-GT-G. GRCh37 (hg19) VCF-style: chr15-62176443-GT-G.
Other names: c.9366del, p.Lys3122fs (NM_001018088.3); c.9237del, p.Lys3079fs (NM_017684.5, NM_018080.4); short protein forms K3079fs, K3122fs.
Identifiers: ClinVar variation 2662741 (VCV002662741.1), dbSNP rs775841187, ClinGen allele CA7594670.

ClinVar aggregate classification (germline): Pathogenic (1 of 4 stars; one submission).

Submission:

GeneDx
Classification: Pathogenic. Last evaluated: 2023-04-21. Review status: criteria provided, single submitter. Criteria: GeneDx Variant Classification Process June 2021. Collection method: clinical testing. Allele origin: germline. Affected: yes.
Comment: Frameshift variant predicted to result in protein truncation or nonsense mediated decay in a gene for which loss of function is a known mechanism of disease; Not observed at significant frequency in large population cohorts (gnomAD); Identified in the heterozygous state in an individual from a precision medicine study, however, further genotype and phenotype information was not provided (Hou et al., 2020); This variant is associated with the following publications: (PMID: 31980526)